The following is an entry in ClinVar:

NM_024408.4(NOTCH2):c.7040G>A (p.Arg2347His)

Gene: NOTCH2 (notch receptor 2; minus strand). Cytogenetic location: 1p12.
Variant type: single nucleotide variant.
Coding change: c.7040G>A on transcript NM_024408.4 (MANE Select); coding-DNA position 7040, G replaced by A.
Protein change: p.Arg2347His; replaces arginine 2347 with histidine.
Molecular consequence: missense variant.
Genome position (GRCh38, 1-based): chr1:119,915,682, C>T on the plus strand (G>A on the coding strand, the complement: NOTCH2 is on the minus strand). VCF-style: chr1-119915682-C-T. GRCh37 (hg19) VCF-style: chr1-120458305-C-T.
Other names: short protein forms R2347H.
Identifiers: ClinVar variation 1405698 (VCV001405698.9), dbSNP rs201993620, ClinGen allele CA1039330.

ClinVar aggregate classification (germline): Uncertain significance. Review status: criteria provided, multiple submitters, no conflicts (2 of 4 stars). 2 submissions from 2 submitters: Uncertain significance (2). Last evaluated 2026-01-27.

Conditions:
Alagille syndrome due to a NOTCH2 point mutation. Also called: Alagille syndrome 2. Identifiers: Orphanet 261629, Orphanet 52, MedGen C1857761, MONDO:0012439, OMIM 610205.
Hajdu-Cheney syndrome (HJCYS). Also called: ACROOSTEOLYSIS WITH OSTEOPOROSIS AND CHANGES IN SKULL AND MANDIBLE; SERPENTINE FIBULA-POLYCYSTIC KIDNEY SYNDROME; Acroosteolysis dominant type. Identifiers: Orphanet 955, MedGen C0917715, MONDO:0007057, OMIM 102500.

Allele frequency attached by ClinVar (database versions not stated): gnomAD exomes 0.00003; gnomAD 0.00004; ExAC 0.00005; TOPMed 0.00008.
gnomAD v4.1: 50 of 1,612,670 alleles (0.0031%); highest among the groups gnomAD compares: East Asian, 0.029%; 1 homozygote.

Submissions (2):

Labcorp Genetics (formerly Invitae), Labcorp
Classification: Uncertain significance for Hajdu-Cheney syndrome. Last evaluated: 2026-01-27. Review status: criteria provided, single submitter. Criteria: Invitae Variant Classification Sherloc (09022015). Collection method: clinical testing. Allele origin: germline.
Comment: This sequence change replaces arginine, which is basic and polar, with histidine, which is basic and polar, at codon 2347 of the NOTCH2 protein (p.Arg2347His). This variant is present in population databases (rs201993620, gnomAD 0.03%). This variant has not been reported in the literature in individuals affected with NOTCH2-related conditions. ClinVar contains an entry for this variant (Variation ID: 1405698). Invitae Evidence Modeling of protein sequence and biophysical properties (such as structural, functional, and spatial information, amino acid conservation, physicochemical variation, residue mobility, and thermodynamic stability) indicates that this missense variant is not expected to disrupt NOTCH2 protein function with a negative predictive value of 95%. In summary, the available evidence is currently insufficient to determine the role of this variant in disease. Therefore, it has been classified as a Variant of Uncertain Significance.

Fulgent Genetics
Classification: Uncertain significance for Hajdu-Cheney syndrome; Alagille syndrome due to a NOTCH2 point mutation. Last evaluated: 2021-12-23. Review status: criteria provided, single submitter. Criteria: ACMG Guidelines, 2015. Collection method: clinical testing. Allele origin: unknown.